The following is an entry in ClinVar:

NM_001379500.1(COL18A1):c.2832_2834del (p.Gly945del)

Genes: COL18A1 (collagen type XVIII alpha 1 chain; plus strand), SLC19A1 (solute carrier family 19 member 1; minus strand). Cytogenetic location: 21q22.3.
Variant type: Deletion.
Coding change: c.2832_2834del on transcript NM_001379500.1 (MANE Select); coding-DNA positions 2832 to 2834, 3 bases deleted (AGG; older notation c.2832_2834delAGG).
Protein change: p.Gly945del; deletes glycine 945.
Genome position (GRCh38, 1-based): chr21:45,504,529-45,504,531, AGG deleted. VCF-style (leftmost placement, unchanged base first): chr21-45504528-CAGG-C. GRCh37 (hg19) VCF-style: chr21-46924442-CAGG-C.
Other names: c.3372_3374del, p.Gly1125del (NM_030582.4); c.4077_4079del, p.Gly1360del (NM_130444.3); short protein forms G1125del, G1360del, G945del.
Identifiers: ClinVar variation 3034845 (VCV003034845.1), dbSNP rs2517783959, ClinGen allele CA2740094752.

ClinVar aggregate classification (germline): Likely benign (1 of 4 stars; one submission).

Conditions:
COL18A1-related disorder. Also called: COL18A1-related disorders; COL18A1-related condition.

Submission:

PreventionGenetics, part of Exact Sciences
Classification: Likely benign for COL18A1-related condition. Last evaluated: 2020-07-30. Review status: criteria provided, single submitter. Criteria: ACMG Guidelines, 2015. Collection method: clinical testing. Allele origin: germline.
Comment: This variant is classified as likely benign based on ACMG/AMP sequence variant interpretation guidelines (Richards et al. 2015 PMID: 25741868, with internal and published modifications).